The following is an entry in ClinVar:

NM_000492.4(CFTR):c.830G>A (p.Trp277Ter)

Gene: CFTR (CF transmembrane conductance regulator; plus strand). Cytogenetic location: 7q31.2.
Variant type: single nucleotide variant.
Coding change: c.830G>A on transcript NM_000492.4 (MANE Select); coding-DNA position 830, G replaced by A.
Protein change: p.Trp277Ter; replaces tryptophan 277 with a stop codon.
Molecular consequence: nonsense.
Genome position (GRCh38, 1-based): chr7:117,536,634, G>A. VCF-style: chr7-117536634-G-A. GRCh37 (hg19) VCF-style: chr7-117176688-G-A.
Other names: short protein forms W277*.
Identifiers: ClinVar variation 162000 (VCV000162000.4), dbSNP rs672601317, ClinGen allele CA273036.

ClinVar aggregate classification (germline): Pathogenic. Review status: criteria provided, single submitter (1 of 4 stars). 2 submissions from 2 submitters: Pathogenic (1). 1 of the submissions does not count toward it. Last evaluated 2024-03-14.

Conditions:
Cystic fibrosis (CF). Also called: MUCOVISCIDOSIS. Identifiers: Orphanet 586, MedGen C0010674, MONDO:0009061, OMIM 219700. Disease mechanism: loss of function.

Submissions (2):

Labcorp Genetics (formerly Invitae), Labcorp
Classification: Pathogenic for Cystic fibrosis. Last evaluated: 2024-03-14. Review status: criteria provided, single submitter. Criteria: Invitae Variant Classification Sherloc (09022015). Collection method: clinical testing. Allele origin: germline.
Comment: This sequence change creates a premature translational stop signal (p.Trp277*) in the CFTR gene. It is expected to result in an absent or disrupted protein product. Loss-of-function variants in CFTR are known to be pathogenic (PMID: 1695717, 7691345, 9725922). This variant is not present in population databases (gnomAD no frequency). This premature translational stop signal has been observed in individual(s) with cystic fibrosis (PMID: 27022295). ClinVar contains an entry for this variant (Variation ID: 162000). For these reasons, this variant has been classified as Pathogenic.

Unidad de Estudios Geneticos y Forenses, Instituto Venezolano de Investigaciones Cientificas
Classification: Pathogenic for Cystic fibrosis. Last evaluated: 2013-10-01. Review status: no assertion criteria provided. Collection method: research. Allele origin: unknown. Affected: yes. Observed: 1 variant allele. Study: CFTR variants in Venezuelan CF patients. Not counted in ClinVar's aggregate classification.
Comment: Identification of cystic fibrosis-causing mutations in the CFTR gene for use in screening of a Venezuelan population

Literature cited by the submitters: PubMed 1695717 (cited by Labcorp Genetics (formerly Invitae), Labcorp); PubMed 7691345 (cited by Labcorp Genetics (formerly Invitae), Labcorp); PubMed 9725922 (cited by Labcorp Genetics (formerly Invitae), Labcorp); PubMed 27022295 (cited by Labcorp Genetics (formerly Invitae), Labcorp).